The following is an entry in ClinVar:

ClinVar aggregate classification (germline): Uncertain significance (1 of 4 stars; one submission).

Allele frequency attached by ClinVar (database versions not stated): TOPMed 0.00001; gnomAD 0.00002; ESP Exome Variant Server 0.00008.
gnomAD v4.1: 7 of 1,613,894 alleles (0.00043%); highest among the groups gnomAD compares: Admixed American, 0.0017%; no homozygotes.

Submission:

Labcorp Genetics (formerly Invitae), Labcorp
Classification: Uncertain significance. Last evaluated: 2022-04-01. Review status: criteria provided, single submitter. Criteria: Invitae Variant Classification Sherloc (09022015). Collection method: clinical testing. Allele origin: germline.
Comment: This sequence change replaces arginine, which is basic and polar, with cysteine, which is neutral and slightly polar, at codon 129 of the NUP160 protein (p.Arg129Cys). In summary, the available evidence is currently insufficient to determine the role of this variant in disease. Therefore, it has been classified as a Variant of Uncertain Significance. Algorithms developed to predict the effect of missense changes on protein structure and function are either unavailable or do not agree on the potential impact of this missense change (SIFT: "Not Available"; PolyPhen-2: "Probably Damaging"; Align-GVGD: "Not Available"). This variant has not been reported in the literature in individuals affected with NUP160-related conditions. This variant is present in population databases (rs149937086, gnomAD 0.003%).

NM_015231.3(NUP160):c.283C>T (p.Arg95Cys)

Gene: NUP160 (nucleoporin 160; minus strand). Cytogenetic location: 11p11.2.
Variant type: single nucleotide variant.
Coding change: c.283C>T on transcript NM_015231.3 (MANE Select); coding-DNA position 283, C replaced by T.
Protein change: p.Arg95Cys; replaces arginine 95 with cysteine.
Molecular consequence: missense variant. On other transcripts: non-coding transcript variant (1).
Genome position (GRCh38, 1-based): chr11:47,840,518, G>A on the plus strand (C>T on the coding strand, the complement: NUP160 is on the minus strand). VCF-style: chr11-47840518-G-A. GRCh37 (hg19) VCF-style: chr11-47862070-G-A.
Other names: c.385C>T, p.Arg129Cys (NM_001318399.1); short protein forms R129C, R95C.
Identifiers: ClinVar variation 1940572 (VCV001940572.5), dbSNP rs149937086, ClinGen allele CA5981651.
Genomic context (GRCh38, chr11:47,840,518, plus strand): 5'-TCTGAGTCTCAGAGACATAAACCCCTCCAGGTAAAACACTGCAATTTTGGAATTTTAGGC[G>A]AATGGCATTATTCAACAGATTTATGTCCAGTGACTCCTCCATCAGCTCCAATGTATCTCC-3'
Protein context (NP_056046.2, residues 85-105): LDINLLNNAI[Arg95Cys]LKFQNCSVLP